The following is an entry in ClinVar:

NM_002227.4(JAK1):c.848C>G (p.Ala283Gly)

Gene: JAK1 (Janus kinase 1; minus strand). Cytogenetic location: 1p31.3.
Variant type: single nucleotide variant.
Coding change: c.848C>G on transcript NM_002227.4 (MANE Select); coding-DNA position 848, C replaced by G.
Protein change: p.Ala283Gly; replaces alanine 283 with glycine.
Molecular consequence: missense variant.
Genome position (GRCh38, 1-based): chr1:64,867,008, G>C on the plus strand (C>G on the coding strand, the complement: JAK1 is on the minus strand). VCF-style: chr1-64867008-G-C. GRCh37 (hg19) VCF-style: chr1-65332691-G-C.
Other names: c.848C>G, p.Ala283Gly (NM_001320923.2, NM_001321852.2, NM_001321853.2 and 4 more transcripts); short protein forms A283G.
Identifiers: ClinVar variation 4702579 (VCV004702579.1).
Genomic context (GRCh38, chr1:64,867,008, plus strand): 5'-TGAAACCAATTCATCTCATTTTCTGATGAAATCAGTAACATGGAAGTCTCAAATATTTCA[G>C]CACCGTAATGTTTTGTCAAAGTTTCCAAGGTAGCCAAGTATTTCACCTTCAGGTCATGCG-3'
Protein context (NP_002218.2, residues 273-293): TLETLTKHYG[Ala283Gly]EIFETSMLLI

ClinVar aggregate classification (germline): Uncertain significance (1 of 4 stars; one submission).

Submission:

Labcorp Genetics (formerly Invitae), Labcorp
Classification: Uncertain significance. Last evaluated: 2025-07-28. Review status: criteria provided, single submitter. Criteria: Invitae Variant Classification Sherloc (09022015). Collection method: clinical testing. Allele origin: germline.
Comment: This sequence change replaces alanine, which is neutral and non-polar, with glycine, which is neutral and non-polar, at codon 283 of the JAK1 protein (p.Ala283Gly). This variant is not present in population databases (gnomAD no frequency). This variant has not been reported in the literature in individuals affected with JAK1-related conditions. Invitae Evidence Modeling of protein sequence and biophysical properties (such as structural, functional, and spatial information, amino acid conservation, physicochemical variation, residue mobility, and thermodynamic stability) indicates that this missense variant is not expected to disrupt JAK1 protein function with a negative predictive value of 80%. In summary, the available evidence is currently insufficient to determine the role of this variant in disease. Therefore, it has been classified as a Variant of Uncertain Significance.